The following is an entry in ClinVar:

NM_000260.4(MYO7A):c.5369G>A (p.Arg1790His)

Gene: MYO7A (myosin VIIA; plus strand). Cytogenetic location: 11q13.5.
Variant type: single nucleotide variant.
Coding change: c.5369G>A on transcript NM_000260.4 (MANE Select); coding-DNA position 5369, G replaced by A.
Protein change: p.Arg1790His; replaces arginine 1790 with histidine.
Molecular consequence: missense variant.
Genome position (GRCh38, 1-based): chr11:77,204,118, G>A. VCF-style: chr11-77204118-G-A. GRCh37 (hg19) VCF-style: chr11-76915163-G-A.
Other names: c.5255G>A, p.Arg1752His (NM_001127180.2); c.5222G>A, p.Arg1741His (NM_001369365.1); short protein forms R1752H, R1790H, R1741H.
Identifiers: ClinVar variation 840818 (VCV000840818.12), dbSNP rs372016012, ClinGen allele CA6198694.

ClinVar aggregate classification (germline): Uncertain significance. Review status: criteria provided, multiple submitters, no conflicts (2 of 4 stars). 5 submissions from 5 submitters: Uncertain significance (4). 1 of the submissions does not count toward it. Last evaluated 2026-07-14.

Conditions:
MYO7A-related disorder. Also called: MYO7A-related disorders.
Usher syndrome type 1B (USH1B). Also called: Usher syndrome type IB. Identifiers: MedGen C1848638, MONDO:0700087.

Allele frequency attached by ClinVar (database versions not stated): gnomAD exomes below 0.00001 and 0.00001; gnomAD 0.00002; TOPMed 0.00002; ExAC 0.00004; ESP Exome Variant Server 0.00008.
gnomAD v4.1: 19 of 1,600,540 alleles (0.0012%); highest among the groups gnomAD compares: East Asian, 0.0045%; no homozygotes.

Submissions (5):

PreventionGenetics, part of Exact Sciences
Classification: Uncertain significance for MYO7A-related condition. Last evaluated: 2026-07-14. Review status: criteria provided, single submitter. Criteria: ACMG Guidelines, 2015. Collection method: clinical testing. Allele origin: germline.
Comment: The MYO7A c.5369G>A variant is predicted to result in the amino acid substitution p.Arg1790His. To our knowledge, this variant has not been reported in the literature. This variant is reported in 0.0056% of alleles in individuals of East Asian descent in gnomAD. At this time, the clinical significance of this variant is uncertain due to the absence of conclusive functional and genetic evidence.

Labcorp Genetics (formerly Invitae), Labcorp
Classification: Uncertain significance. Last evaluated: 2024-09-06. Review status: criteria provided, single submitter. Criteria: Invitae Variant Classification Sherloc (09022015). Collection method: clinical testing. Allele origin: germline.
Comment: This sequence change replaces arginine, which is basic and polar, with histidine, which is basic and polar, at codon 1790 of the MYO7A protein (p.Arg1790His). The frequency data for this variant in the population databases is considered unreliable, as metrics indicate poor data quality at this position in the gnomAD database. This variant has not been reported in the literature in individuals affected with MYO7A-related conditions. ClinVar contains an entry for this variant (Variation ID: 840818). Invitae Evidence Modeling of protein sequence and biophysical properties (such as structural, functional, and spatial information, amino acid conservation, physicochemical variation, residue mobility, and thermodynamic stability) has been performed for this missense variant. However, the output from this modeling did not meet the statistical confidence thresholds required to predict the impact of this variant on MYO7A protein function. In summary, the available evidence is currently insufficient to determine the role of this variant in disease. Therefore, it has been classified as a Variant of Uncertain Significance.

GeneDx
Classification: Uncertain significance. Last evaluated: 2023-05-17. Review status: criteria provided, single submitter. Criteria: GeneDx Variant Classification Process June 2021. Collection method: clinical testing. Allele origin: germline. Affected: yes.
Comment: In silico analysis supports that this missense variant has a deleterious effect on protein structure/function; Has not been previously published as pathogenic or benign to our knowledge

Blueprint Genetics
Classification: Uncertain significance. Last evaluated: 2022-03-14. Review status: criteria provided, single submitter. Criteria: ACMG Guidelines, 2015. Collection method: clinical testing. Allele origin: germline.

Natera, Inc.
Classification: Uncertain significance for Usher syndrome type 1B. Last evaluated: 2020-01-30. Review status: no assertion criteria provided. Collection method: clinical testing. Allele origin: germline. Not counted in ClinVar's aggregate classification.